The following is an entry in ClinVar:

NM_001999.4(FBN2):c.8196C>T (p.His2732=)

Gene: FBN2 (fibrillin 2; minus strand). Cytogenetic location: 5q23.3.
Variant type: single nucleotide variant.
Coding change: c.8196C>T on transcript NM_001999.4 (MANE Select); coding-DNA position 8196, C replaced by T.
Protein change: p.His2732=; no amino-acid change (histidine 2732 retained).
Molecular consequence: synonymous variant.
Genome position (GRCh38, 1-based): chr5:128,261,904, G>A on the plus strand (C>T on the coding strand, the complement: FBN2 is on the minus strand). VCF-style: chr5-128261904-G-A. GRCh37 (hg19) VCF-style: chr5-127597596-G-A.
Identifiers: ClinVar variation 264120 (VCV000264120.8), dbSNP rs780426123, ClinGen allele CA3393875.

ClinVar aggregate classification (germline): Likely benign. Review status: criteria provided, multiple submitters, no conflicts (2 of 4 stars). 3 submissions from 3 submitters: Likely benign (3). Last evaluated 2023-01-14.

Conditions:
Familial thoracic aortic aneurysm and aortic dissection (TAAD). Also called: Thoracic aortic aneurysms and dissections. Identifiers: Orphanet 91387, MedGen C4707243, MONDO:0019625.
Congenital contractural arachnodactyly (CCA). Also called: BEALS SYNDROME; Beals-Hecht syndrome; Arthrogryposis, distal, type 9. Identifiers: Orphanet 115, MedGen C0220668, MONDO:0007363, OMIM 121050.

Allele frequency attached by ClinVar (database versions not stated): gnomAD 0.00001; gnomAD exomes 0.00001; TOPMed 0.00001; ExAC 0.00002.
gnomAD v4.1: 11 of 1,613,764 alleles (0.00068%); highest among the groups gnomAD compares: Non-Finnish European, 0.00093%; no homozygotes.

Submissions (3):

Labcorp Genetics (formerly Invitae), Labcorp
Classification: Likely benign for Congenital contractural arachnodactyly. Last evaluated: 2023-01-14. Review status: criteria provided, single submitter. Criteria: Invitae Variant Classification Sherloc (09022015). Collection method: clinical testing. Allele origin: germline.

GeneDx
Classification: Likely benign. Last evaluated: 2017-02-20. Review status: criteria provided, single submitter. Criteria: GeneDx Variant Classification (06012015). Collection method: clinical testing. Allele origin: germline. Affected: yes.
Comment: This variant is considered likely benign or benign based on one or more of the following criteria: it is a conservative change, it occurs at a poorly conserved position in the protein, it is predicted to be benign by multiple in silico algorithms, and/or has population frequency not consistent with disease.

Ambry Genetics
Classification: Likely benign for Familial thoracic aortic aneurysm and aortic dissection. Last evaluated: 2015-06-23. Review status: criteria provided, single submitter. Criteria: Ambry Variant Classification Scheme 2023. Collection method: clinical testing. Allele origin: germline.